The following is an entry in ClinVar:

ClinVar aggregate classification (germline): Uncertain significance. Review status: criteria provided, multiple submitters, no conflicts (2 of 4 stars). 2 submissions from 2 submitters: Uncertain significance (2). Last evaluated 2025-11-18.

Conditions:
Inborn genetic diseases. Identifiers: MedGen C0950123, MeSH D030342.

Allele frequency attached by ClinVar (database versions not stated): TOPMed 0.00005; gnomAD 0.00006; gnomAD exomes 0.00007; ExAC 0.00009; 1000 Genomes Project 30x 0.00016; 1000 Genomes Project 0.00020; ESP Exome Variant Server 0.00023.
gnomAD v4.1: 98 of 1,614,120 alleles (0.0061%); highest among the groups gnomAD compares: Middle Eastern, 0.017%; no homozygotes.

Submissions (2):

Labcorp Genetics (formerly Invitae), Labcorp
Classification: Uncertain significance. Last evaluated: 2025-11-18. Review status: criteria provided, single submitter. Criteria: Invitae Variant Classification Sherloc (09022015). Collection method: clinical testing. Allele origin: germline.
Comment: This sequence change replaces glutamine, which is neutral and polar, with arginine, which is basic and polar, at codon 1567 of the TUBGCP6 protein (p.Gln1567Arg). This variant is present in population databases (rs149368919, gnomAD 0.01%). This variant has not been reported in the literature in individuals affected with TUBGCP6-related conditions. ClinVar contains an entry for this variant (Variation ID: 952101). An algorithm developed to predict the effect of missense changes on protein structure and function (PolyPhen-2) suggests that this variant is likely to be disruptive. In summary, the available evidence is currently insufficient to determine the role of this variant in disease. Therefore, it has been classified as a Variant of Uncertain Significance.

Ambry Genetics
Classification: Uncertain significance for Inborn genetic diseases. Last evaluated: 2025-01-26. Review status: criteria provided, single submitter. Criteria: Ambry Variant Classification Scheme 2023. Collection method: clinical testing. Allele origin: germline.

NM_020461.4(TUBGCP6):c.4700A>G (p.Gln1567Arg)

Gene: TUBGCP6 (tubulin gamma complex component 6; minus strand). Cytogenetic location: 22q13.33.
Variant type: single nucleotide variant.
Coding change: c.4700A>G on transcript NM_020461.4 (MANE Select); coding-DNA position 4700, A replaced by G.
Protein change: p.Gln1567Arg; replaces glutamine 1567 with arginine.
Molecular consequence: missense variant.
Genome position (GRCh38, 1-based): chr22:50,218,824, T>C on the plus strand (A>G on the coding strand, the complement: TUBGCP6 is on the minus strand). VCF-style: chr22-50218824-T-C. GRCh37 (hg19) VCF-style: chr22-50657253-T-C.
Other names: short protein forms Q1567R.
Identifiers: ClinVar variation 952101 (VCV000952101.10), dbSNP rs149368919, ClinGen allele CA10307375.